The following is an entry in ClinVar:

ClinVar aggregate classification (germline): Uncertain significance (1 of 4 stars; one submission).

Conditions:
Sulfite oxidase deficiency due to molybdenum cofactor deficiency type C. Also called: Molybdenum cofactor deficiency, complementation group C; Molybdenum cofactor deficiency C. Identifiers: Orphanet 308400, Orphanet 833, MedGen C1854990, MONDO:0014212, OMIM 615501.

Allele frequency attached by ClinVar (database versions not stated): gnomAD exomes below 0.00001.
gnomAD v4.1: 1 of 1,593,548 alleles (0.000063%); highest among the groups gnomAD compares: Non-Finnish European, 0.000086%; no homozygotes.

Submission:

Labcorp Genetics (formerly Invitae), Labcorp
Classification: Uncertain significance for Sulfite oxidase deficiency due to molybdenum cofactor deficiency type C. Last evaluated: 2023-11-24. Review status: criteria provided, single submitter. Criteria: Invitae Variant Classification Sherloc (09022015). Collection method: clinical testing. Allele origin: germline.
Comment: This sequence change replaces phenylalanine, which is neutral and non-polar, with leucine, which is neutral and non-polar, at codon 247 of the GPHN protein (p.Phe247Leu). This variant is not present in population databases (gnomAD no frequency). This variant has not been reported in the literature in individuals affected with GPHN-related conditions. An algorithm developed to predict the effect of missense changes on protein structure and function (PolyPhen-2) suggests that this variant is likely to be tolerated. In summary, the available evidence is currently insufficient to determine the role of this variant in disease. Therefore, it has been classified as a Variant of Uncertain Significance.

NM_020806.5(GPHN):c.741C>G (p.Phe247Leu)

Gene: GPHN (gephyrin; plus strand). Cytogenetic location: 14q23.3.
Variant type: single nucleotide variant.
Coding change: c.741C>G on transcript NM_020806.5 (MANE Select); coding-DNA position 741, C replaced by G.
Protein change: p.Phe247Leu; replaces phenylalanine 247 with leucine.
Molecular consequence: missense variant. On other transcripts: intron variant (7).
Genome position (GRCh38, 1-based): chr14:66,924,205, C>G. VCF-style: chr14-66924205-C-G. GRCh37 (hg19) VCF-style: chr14-67390922-C-G.
Other names: c.768+1267C>G (NM_001377514.1, NM_001377519.1); c.729+1267C>G (NM_001377515.1, NM_001377516.1, NM_001377518.1 and 2 more transcripts); short protein forms F247L.
Identifiers: ClinVar variation 2779449 (VCV002779449.3), dbSNP rs756588496, ClinGen allele CA263287111.